The following is an entry in ClinVar:

NM_000273.3(GPR143):c.154C>A (p.Arg52Ser)

Gene: GPR143 (G protein-coupled receptor 143; minus strand). Cytogenetic location: Xp22.2.
Variant type: single nucleotide variant.
Coding change: c.154C>A on transcript NM_000273.3 (MANE Select); coding-DNA position 154, C replaced by A.
Protein change: p.Arg52Ser; replaces arginine 52 with serine.
Molecular consequence: missense variant.
Genome position (GRCh38, 1-based): chrX:9,765,664, G>T on the plus strand (C>A on the coding strand, the complement: GPR143 is on the minus strand). VCF-style: chrX-9765664-G-T. GRCh37 (hg19) VCF-style: chrX-9733704-G-T.
Other names: short protein forms R52S.
Identifiers: ClinVar variation 2722499 (VCV002722499.3), dbSNP rs1305971978, ClinGen allele CA412000632.

ClinVar aggregate classification (germline): Uncertain significance (1 of 4 stars; one submission).

Allele frequency attached by ClinVar (database versions not stated): TOPMed 0.00001.
gnomAD v4.1: 19 of 997,750 alleles (0.0019%); highest among the groups gnomAD compares: Non-Finnish European, 0.0024%; no homozygotes.

Submission:

Labcorp Genetics (formerly Invitae), Labcorp
Classification: Uncertain significance. Last evaluated: 2024-09-21. Review status: criteria provided, single submitter. Criteria: Invitae Variant Classification Sherloc (09022015). Collection method: clinical testing. Allele origin: germline.
Comment: This sequence change replaces arginine, which is basic and polar, with serine, which is neutral and polar, at codon 52 of the GPR143 protein (p.Arg52Ser). The frequency data for this variant in the population databases is considered unreliable, as metrics indicate poor data quality at this position in the gnomAD database. This variant has not been reported in the literature in individuals affected with GPR143-related conditions. Invitae Evidence Modeling of protein sequence and biophysical properties (such as structural, functional, and spatial information, amino acid conservation, physicochemical variation, residue mobility, and thermodynamic stability) indicates that this missense variant is not expected to disrupt GPR143 protein function with a negative predictive value of 80%. In summary, the available evidence is currently insufficient to determine the role of this variant in disease. Therefore, it has been classified as a Variant of Uncertain Significance.